The following is an entry in ClinVar:

NM_003322.6(TULP1):c.1266C>T (p.Thr422=)

Gene: TULP1 (TUB like protein 1; minus strand). Cytogenetic location: 6p21.31.
Variant type: single nucleotide variant.
Coding change: c.1266C>T on transcript NM_003322.6 (MANE Select); coding-DNA position 1266, C replaced by T.
Protein change: p.Thr422=; no amino-acid change (threonine 422 retained).
Molecular consequence: synonymous variant.
Genome position (GRCh38, 1-based): chr6:35,503,616, G>A on the plus strand (C>T on the coding strand, the complement: TULP1 is on the minus strand). VCF-style: chr6-35503616-G-A. GRCh37 (hg19) VCF-style: chr6-35471393-G-A.
Other names: c.1107C>T, p.Thr369= (NM_001289395.2); c.1266C>T (NM_003322.5).
Identifiers: ClinVar variation 1130813 (VCV001130813.30), dbSNP rs747534563, ClinGen allele CA3772608.

ClinVar aggregate classification (germline): Conflicting classifications of pathogenicity. Review status: criteria provided, conflicting classifications (1 of 4 stars). 5 submissions from 5 submitters: Uncertain significance (1); Likely benign (4). Last evaluated 2026-05-19.

Conditions:
TULP1-related disorder. Also called: TULP1-related condition; TULP1-related disorders.

Allele frequency attached by ClinVar (database versions not stated): TOPMed 0.00001; ExAC 0.00017.

Submissions (5):

PreventionGenetics, part of Exact Sciences
Classification: Likely benign for TULP1-related condition. Last evaluated: 2026-05-19. Review status: criteria provided, single submitter. Criteria: ACMG Guidelines, 2015. Collection method: clinical testing. Allele origin: germline.
Comment: This variant is classified as likely benign based on ACMG/AMP sequence variant interpretation guidelines (Richards et al. 2015 PMID: 25741868, with internal and published modifications).

Labcorp Genetics (formerly Invitae), Labcorp
Classification: Likely benign. Last evaluated: 2026-02-04. Review status: criteria provided, single submitter. Criteria: Invitae Variant Classification Sherloc (09022015). Collection method: clinical testing. Allele origin: germline.

CeGaT Center for Human Genetics Tuebingen
Classification: Likely benign. Last evaluated: 2024-07-01. Review status: criteria provided, single submitter. Criteria: CeGaT Center For Human Genetics Tuebingen Variant Classification Criteria Version 2. Collection method: clinical testing. Allele origin: germline. Affected: yes. Observed: 1 variant allele.
Comment: TULP1: BP4, BP7

Blueprint Genetics
Classification: Likely benign. Last evaluated: 2023-07-19. Review status: criteria provided, single submitter. Criteria: ACMG Guidelines, 2015. Collection method: clinical testing. Allele origin: germline.

Revvity Omics, Revvity
Classification: Uncertain significance. Last evaluated: 2020-08-20. Review status: criteria provided, single submitter. Criteria: ACMG Guidelines, 2015. Collection method: clinical testing. Allele origin: germline.